The following is an entry in ClinVar:

NM_000540.3(RYR1):c.12821G>A (p.Gly4274Asp)

Gene: RYR1 (ryanodine receptor 1; plus strand). Cytogenetic location: 19q13.2.
Variant type: single nucleotide variant.
Coding change: c.12821G>A on transcript NM_000540.3 (MANE Select); coding-DNA position 12821, G replaced by A.
Protein change: p.Gly4274Asp; replaces glycine 4274 with aspartic acid.
Molecular consequence: missense variant.
Genome position (GRCh38, 1-based): chr19:38,565,155, G>A. VCF-style: chr19-38565155-G-A. GRCh37 (hg19) VCF-style: chr19-39055795-G-A.
Other names: c.12806G>A, p.Gly4269Asp (NM_001042723.2); short protein forms G4269D, G4274D.
Identifiers: ClinVar variation 2052078 (VCV002052078.1), dbSNP rs1487543726, ClinGen allele CA405671261.
Genomic context (GRCh38, chr19:38,565,155, plus strand): 5'-AGGGCGAGCCGGAGACCGACGAGGACGAGGGCGCGGGCGCGGCGGAGGCGGGCGCGGAAG[G>A]CGCGGAGGAGGGCGCGGCGGGGCTCGAGGGCACGGCGGCCACGGCGGCGGCGGGGGCGAC-3'
Protein context (NP_000531.2, residues 4264-4284): GAGAAEAGAE[Gly4274Asp]AEEGAAGLEG

ClinVar aggregate classification (germline): Uncertain significance (1 of 4 stars; one submission).

Conditions:
RYR1-related disorder. Also called: RYR1-related condition; RYR1-related disorders. Identifiers: MedGen CN239331.

Allele frequency attached by ClinVar (database versions not stated): gnomAD 0.00001; gnomAD exomes 0.00001.
gnomAD v4.1: 16 of 1,496,824 alleles (0.0011%); highest among the groups gnomAD compares: South Asian, 0.0037%; no homozygotes.

Submission:

Labcorp Genetics (formerly Invitae), Labcorp
Classification: Uncertain significance for RYR1-related disorder. Last evaluated: 2022-05-28. Review status: criteria provided, single submitter. Criteria: Invitae Variant Classification Sherloc (09022015). Collection method: clinical testing. Allele origin: germline.
Comment: This sequence change replaces glycine, which is neutral and non-polar, with aspartic acid, which is acidic and polar, at codon 4274 of the RYR1 protein (p.Gly4274Asp). This variant is present in population databases (no rsID available, gnomAD 0.005%). This variant has not been reported in the literature in individuals affected with RYR1-related conditions. Advanced modeling of protein sequence and biophysical properties (such as structural, functional, and spatial information, amino acid conservation, physicochemical variation, residue mobility, and thermodynamic stability) performed at Invitae indicates that this missense variant is not expected to disrupt RYR1 protein function. In summary, the available evidence is currently insufficient to determine the role of this variant in disease. Therefore, it has been classified as a Variant of Uncertain Significance.